The following is an entry in ClinVar:

NM_001377334.1(PIK3C2B):c.4533C>T (p.Ser1511=)

Gene: PIK3C2B (phosphatidylinositol-4-phosphate 3-kinase catalytic subunit type 2 beta; minus strand). Cytogenetic location: 1q32.1.
Variant type: single nucleotide variant.
Coding change: c.4533C>T on transcript NM_001377334.1 (MANE Select); coding-DNA position 4533, C replaced by T.
Protein change: p.Ser1511=; no amino-acid change (serine 1511 retained).
Molecular consequence: synonymous variant.
Genome position (GRCh38, 1-based): chr1:204,427,702, G>A on the plus strand (C>T on the coding strand, the complement: PIK3C2B is on the minus strand). VCF-style: chr1-204427702-G-A. GRCh37 (hg19) VCF-style: chr1-204396830-G-A.
Other names: c.4449C>T, p.Ser1483= (NM_001377335.1); c.4533C>T, p.Ser1511= (NM_002646.4).
Identifiers: ClinVar variation 3060868 (VCV003060868.2), dbSNP rs17334387, ClinGen allele CA1347071.

ClinVar aggregate classification (germline): Benign (0 of 4 stars; one submission).

Conditions:
PIK3C2B-related disorder. Also called: PIK3C2B-related condition.

Allele frequency attached by ClinVar (database versions not stated): gnomAD exomes 0.09212; ExAC 0.10530; 1000 Genomes Project 0.13738; gnomAD 0.14126; 1000 Genomes Project 30x 0.14179; TOPMed 0.14352; ESP Exome Variant Server 0.14393.
gnomAD v4.1: 156,095 of 1,613,102 alleles (9.7%); highest among the groups gnomAD compares: African/African-American, 26%; 9,057 homozygotes.

Submission:

PreventionGenetics, part of Exact Sciences
Classification: Benign for PIK3C2B-related condition. Last evaluated: 2019-08-02. Review status: no assertion criteria provided. Collection method: clinical testing. Allele origin: germline.
Comment: This variant is classified as benign based on ACMG/AMP sequence variant interpretation guidelines (Richards et al. 2015 PMID: 25741868, with internal and published modifications).